The following is an entry in ClinVar:

ClinVar aggregate classification (germline): Uncertain significance. Review status: criteria provided, multiple submitters, no conflicts (2 of 4 stars). 3 submissions from 3 submitters: Uncertain significance (3). Last evaluated 2025-04-09.

Conditions:
Cardiovascular phenotype. Identifiers: MedGen CN230736.
Inborn genetic diseases. Identifiers: MedGen C0950123, MeSH D030342.

Submissions (3):

Molecular Diagnostic Laboratory for Inherited Cardiovascular Disease, Montreal Heart Institute
Classification: Uncertain significance for Cardiovascular phenotype. Last evaluated: 2025-04-09. Review status: criteria provided, single submitter. Criteria: ACMG Guidelines, 2015. Collection method: clinical testing. Allele origin: germline. Affected: yes.

Ambry Genetics
Classification: Uncertain significance for Inborn genetic diseases. Last evaluated: 2025-03-11. Review status: criteria provided, single submitter. Criteria: Ambry Variant Classification Scheme 2023. Collection method: clinical testing. Allele origin: germline.

GeneDx
Classification: Uncertain significance. Last evaluated: 2023-11-21. Review status: criteria provided, single submitter. Criteria: GeneDx Variant Classification Process June 2021. Collection method: clinical testing. Allele origin: germline. Affected: yes.
Comment: Not observed at significant frequency in large population cohorts (gnomAD); In silico analysis supports that this missense variant does not alter protein structure/function; Has not been previously published as pathogenic or benign to our knowledge

NM_020745.4(AARS2):c.1612C>A (p.Leu538Met)

Gene: AARS2 (alanyl-tRNA synthetase 2, mitochondrial; minus strand). Cytogenetic location: 6p21.1.
Variant type: single nucleotide variant.
Coding change: c.1612C>A on transcript NM_020745.4 (MANE Select); coding-DNA position 1612, C replaced by A.
Protein change: p.Leu538Met; replaces leucine 538 with methionine.
Molecular consequence: missense variant.
Genome position (GRCh38, 1-based): chr6:44,304,785, G>T on the plus strand (C>A on the coding strand, the complement: AARS2 is on the minus strand). VCF-style: chr6-44304785-G-T. GRCh37 (hg19) VCF-style: chr6-44272522-G-T.
Other names: c.1612C>A (NM_020745.3); short protein forms L538M.
Identifiers: ClinVar variation 3364677 (VCV003364677.3), dbSNP rs527544325.
Genomic context (GRCh38, chr6:44,304,785, plus strand): 5'-GGAGGCCACAGCGCTGGCCTTTCCCCACGGAGGCCACTGCTGTCCCGTCCTCTGTATACA[G>T]TTGCAACACCTGGGCCTCACAGGTGCCGAACTCTGCCAGGGCACAGAATGGTTATTAGTG-3'
Protein context (NP_065796.2, residues 528-548): FGTCEAQVLQ[Leu538Met]YTEDGTAVAS